The following is an entry in ClinVar:

ClinVar aggregate classification (germline): Pathogenic. Review status: reviewed by expert panel (3 of 4 stars). 6 submissions from 6 submitters: Pathogenic (1). 5 of the submissions do not count toward it. Last evaluated 2016-09-08.

Conditions:
Hereditary breast ovarian cancer syndrome. Also called: Hereditary breast and ovarian cancer syndrome; Hereditary breast and ovarian cancer syndrome (HBOC); BRCA1- and BRCA2-Associated Hereditary Breast and Ovarian Cancer; Breast and ovarian cancer; Hereditary breast and ovarian cancer; Hereditary breast and/or ovarian cancer syndrome. Identifiers: Orphanet 145, MedGen C0677776, MeSH D061325, MONDO:0003582. Disease mechanism: loss of function.
Hereditary cancer-predisposing syndrome. Also called: Hereditary Cancer Syndrome; Hereditary neoplastic syndrome; Tumor predisposition; Neoplastic Syndromes, Hereditary. Identifiers: Orphanet 140162, MedGen C0027672, MeSH D009386, MONDO:0015356.
Breast-ovarian cancer, familial, susceptibility to, 1 (BROVCA1). Also called: OVARIAN CANCER, SUSCEPTIBILITY TO; BRCA1 Hereditary Breast and Ovarian Cancer. Identifiers: Orphanet 145, MedGen C2676676, MONDO:0011450, OMIM 604370. Disease mechanism: loss of function.

Submissions (6):

Evidence-based Network for the Interpretation of Germline Mutant Alleles (ENIGMA)
Classification: Pathogenic for Breast-ovarian cancer, familial, susceptibility to, 1. Last evaluated: 2016-09-08. Review status: reviewed by expert panel. Criteria: ENIGMA BRCA1/2 Classification Criteria (2015). Collection method: curation. Allele origin: germline.
Comment: Variant allele predicted to encode a truncated non-functional protein.

Dasa
Classification: Pathogenic for Breast-ovarian cancer, familial, susceptibility to, 1. Last evaluated: 2026-04-16. Review status: criteria provided, single submitter. Criteria: DASA Assertion Criteria. Collection method: clinical testing. Allele origin: germline. Not counted in ClinVar's aggregate classification.
Comment: NM_007294.4(BRCA1):c.869T>G (p.Leu290*) introduces a premature termination codon predicted to result in loss of normal protein function. Loss-of-function is an established mechanism of disease for this gene. The variant is present at low frequency in population datasets. Based on the available data, this variant is classified as pathogenic.

Ambry Genetics
Classification: Pathogenic for Hereditary cancer-predisposing syndrome. Last evaluated: 2025-09-10. Review status: criteria provided, single submitter. Criteria: Ambry Variant Classification Scheme 2023. Collection method: clinical testing. Allele origin: germline. Not counted in ClinVar's aggregate classification.
Comment: The p.L290* pathogenic mutation (also known as c.869T>G), located in coding exon 9 of the BRCA1 gene, results from a T to G substitution at nucleotide position 869. This changes the amino acid from a leucine to a stop codon within coding exon 9. This variant is considered to be rare based on population cohorts in the Genome Aggregation Database (gnomAD). This alteration is expected to result in loss of function by premature protein truncation or nonsense-mediated mRNA decay. As such, this alteration is interpreted as a disease-causing mutation.

Labcorp Genetics (formerly Invitae), Labcorp
Classification: Pathogenic for Hereditary breast ovarian cancer syndrome. Last evaluated: 2025-09-06. Review status: criteria provided, single submitter. Criteria: Invitae Variant Classification Sherloc (09022015). Collection method: clinical testing. Allele origin: germline. Not counted in ClinVar's aggregate classification.
Comment: This sequence change creates a premature translational stop signal (p.Leu290*) in the BRCA1 gene. It is expected to result in an absent or disrupted protein product. Loss-of-function variants in BRCA1 are known to be pathogenic (PMID: 20104584). This variant is not present in population databases (gnomAD no frequency). This premature translational stop signal has been observed in individual(s) with hereditary breast and ovarian cancer (PMID: 29907814). ClinVar contains an entry for this variant (Variation ID: 182128). For these reasons, this variant has been classified as Pathogenic.

GeneDx
Classification: Pathogenic. Last evaluated: 2024-06-17. Review status: criteria provided, single submitter. Criteria: GeneDx Variant Classification Process June 2021. Collection method: clinical testing. Allele origin: germline. Affected: yes. Not counted in ClinVar's aggregate classification.
Comment: Nonsense variant predicted to result in protein truncation or nonsense mediated decay in a gene for which loss of function is a known mechanism of disease; Truncating variants in this gene are considered pathogenic by a well-established clinical consortium and/or database; Not observed at significant frequency in large population cohorts (gnomAD); Also known as 988T>G; This variant is associated with the following publications: (PMID: 26681312, 29907814, 29446198)

Baylor Genetics
Classification: Pathogenic for Breast-ovarian cancer, familial, susceptibility to, 1. Last evaluated: 2023-03-30. Review status: criteria provided, single submitter. Criteria: ACMG Guidelines, 2015. Collection method: clinical testing. Allele origin: unknown. Not counted in ClinVar's aggregate classification.

Literature cited by the submitters: PubMed 20104584 (cited by Labcorp Genetics (formerly Invitae), Labcorp); PubMed 29907814 (cited by Labcorp Genetics (formerly Invitae), Labcorp).

NM_007294.4(BRCA1):c.869T>G (p.Leu290Ter)

Gene: BRCA1 (BRCA1 DNA repair associated; minus strand). Cytogenetic location: 17q21.31.
Variant type: single nucleotide variant.
Coding change: c.869T>G on transcript NM_007294.4 (MANE Select); coding-DNA position 869, T replaced by G.
Protein change: p.Leu290Ter; replaces leucine 290 with a stop codon.
Molecular consequence: nonsense. On other transcripts: 5 prime UTR variant (2), intron variant (137).
Genome position (GRCh38, 1-based): chr17:43,094,662, A>C on the plus strand (T>G on the coding strand, the complement: BRCA1 is on the minus strand). VCF-style: chr17-43094662-A-C. GRCh37 (hg19) VCF-style: chr17-41246679-A-C.
Other names: p.L290*:TTA>TGA; c.746T>G, p.Leu249Ter (NM_001407939.1, NM_001407674.1, NM_001407675.1 and 19 more transcripts); c.743T>G, p.Leu248Ter (NM_001407940.1, NM_001407941.1, NM_001407649.1 and 11 more transcripts); c.728T>G, p.Leu243Ter (NM_001407942.1, NM_001407944.1, NM_007297.4 and 29 more transcripts); c.725T>G, p.Leu242Ter (NM_001407943.1, NM_001407964.1, NM_001407740.1 and 20 more transcripts); c.533T>G, p.Leu178Ter (NM_001407955.1, NM_001407956.1, NM_001407958.1 and 1 more transcripts); c.536T>G, p.Leu179Ter (NM_001407957.1, NM_001407946.1, NM_001407947.1 and 6 more transcripts); c.488T>G, p.Leu163Ter (NM_001407959.1, NM_001407960.1, NM_001407963.1); and 41 more; short protein forms L290*, L243*, L162*, L220*, L248*, L163*, L201*, L202*.
Identifiers: ClinVar variation 182128 (VCV000182128.12), dbSNP rs730881468, ClinGen allele CA003944.